The following is an entry in ClinVar:

NM_001242896.3(DEPDC5):c.2469T>G (p.Asn823Lys)

Gene: DEPDC5 (DEP domain containing 5, GATOR1 subcomplex subunit; plus strand). Cytogenetic location: 22q12.3.
Variant type: single nucleotide variant.
Coding change: c.2469T>G on transcript NM_001242896.3 (MANE Select); coding-DNA position 2469, T replaced by G.
Protein change: p.Asn823Lys; replaces asparagine 823 with lysine.
Molecular consequence: missense variant. On other transcripts: non-coding transcript variant (5).
Genome position (GRCh38, 1-based): chr22:31,838,799, T>G. VCF-style: chr22-31838799-T-G. GRCh37 (hg19) VCF-style: chr22-32234785-T-G.
Other names: c.2442T>G, p.Asn814Lys (NM_001136029.4, NM_001369903.1, NM_014662.6); c.2235T>G, p.Asn745Lys (NM_001242897.2, NM_001363854.2, NM_001364319.2); c.2469T>G, p.Asn823Lys (NM_001363852.2, NM_001364318.2, NM_001364320.2); c.2385T>G, p.Asn795Lys (NM_001369901.1, NM_001369902.1); short protein forms N795K, N814K, N745K, N823K.
Identifiers: ClinVar variation 5008148 (VCV005008148.1).

ClinVar aggregate classification (germline): Uncertain significance (1 of 4 stars; one submission).

gnomAD v4.1: 1 of 1,614,118 alleles (0.000062%); highest among the groups gnomAD compares: Admixed American, 0.0017%; no homozygotes.

Submission:

GeneDx
Classification: Uncertain significance. Last evaluated: 2026-03-15. Review status: criteria provided, single submitter. Criteria: GeneDx Variant Classification Process June 2021. Collection method: clinical testing. Allele origin: germline.
Comment: Not observed at significant frequency in large population cohorts (gnomAD); In silico analysis suggests that this missense variant does not alter protein structure/function; Has not been previously published as pathogenic or benign to our knowledge